The following is an entry in ClinVar:

NM_000080.4(CHRNE):c.1053_1079dup (p.Pro360_Glu361insArgLeuLeuGlySerProProProPro)

Genes: CHRNE (cholinergic receptor nicotinic epsilon subunit; minus strand), LOC130060041 (ATAC-STARR-seq lymphoblastoid silent region 8050; plus strand). Cytogenetic location: 17p13.2.
Variant type: Duplication.
Coding change: c.1053_1079dup on transcript NM_000080.4 (MANE Select); coding-DNA positions 1053 to 1079, 27 bases duplicated (GCGCCTCCTGGGCTCCCCGCCGCCGCC).
Protein change: p.Pro360_Glu361insArgLeuLeuGlySerProProProPro.
Molecular consequence: inframe insertion.
Genome position (GRCh38, 1-based): chr17:4,899,338-4,899,364, GGCGGCGGCGGGGAGCCCAGGAGGCGC duplicated on the plus strand (GCGCCTCCTGGGCTCCCCGCCGCCGCC on the coding strand, the reverse complement: CHRNE is on the minus strand); duplicating any 27 consecutive bases within chr17:4,899,338-4,899,367 gives the same sequence; the c. name uses the placement nearest the transcript's 3' end. VCF-style (leftmost placement, unchanged base first): chr17-4899337-G-GGGCGGCGGCGGGGAGCCCAGGAGGCGC. GRCh37 (hg19) VCF-style: chr17-4802632-G-GGGCGGCGGCGGGGAGCCCAGGAGGCGC.
Identifiers: ClinVar variation 5004016 (VCV005004016.1).

ClinVar aggregate classification (germline): Uncertain significance (1 of 4 stars; one submission).

Conditions:
Congenital myasthenic syndrome (CMS). Also called: Congenital Myasthenic Syndromes. Identifiers: Orphanet 590, MedGen C0751882, MeSH D020294, MONDO:0018940.

Submission:

Myriad Genetics, Inc.
Classification: Uncertain significance for Congenital myasthenic syndrome. Last evaluated: 2025-12-16. Review status: criteria provided, single submitter. Criteria: Myriad Autosomal Dominant, Autosomal Recessive and X-Linked Classification Criteria (2023). Collection method: clinical testing. Allele origin: unknown.
Comment: NM_000080.3(CHRNE):c.1053_1079dup27(R352_P360dup) is an in-frame insertion classified as a variant of uncertain significance in the context of congenital myasthenic syndrome, CHRNE-related. R352_P360dup has not been observed in cases with relevant disease. Relevant functional assessments of this variant are not available in the literature. R352_P360dup has not been observed in referenced population frequency databases. In summary, there is insufficient evidence to classify NM_000080.3(CHRNE):c.1053_1079dup27(R352_P360dup) as pathogenic or benign. Please note: this variant was assessed in the context of healthy population screening.